The following is an entry in ClinVar:

NM_006531.5(IFT88):c.881C>T (p.Ser294Leu)

Gene: IFT88 (intraflagellar transport 88; plus strand). Cytogenetic location: 13q12.11.
Variant type: single nucleotide variant.
Coding change: c.881C>T on transcript NM_006531.5 (MANE Select); coding-DNA position 881, C replaced by T.
Protein change: p.Ser294Leu; replaces serine 294 with leucine.
Molecular consequence: missense variant. On other transcripts: non-coding transcript variant (5), intron variant (7).
Genome position (GRCh38, 1-based): chr13:20,601,773, C>T. VCF-style: chr13-20601773-C-T. GRCh37 (hg19) VCF-style: chr13-21175912-C-T.
Other names: c.824C>T, p.Ser275Leu (NM_001318491.2, NM_001353573.2, NM_001353575.2); c.908C>T, p.Ser303Leu (NM_001318493.2, NM_001353565.2, NM_001353566.2 and 2 more transcripts); c.881C>T, p.Ser294Leu (NM_001353568.2, NM_001353572.2); c.248C>T, p.Ser83Leu (NM_001353579.2); c.883+25C>T (NM_001353570.2, NM_001353576.2, NM_001353577.2 and 1 more transcripts); c.856+25C>T (NM_001353571.2, NM_001353578.2); c.799+25C>T (NM_001353574.2); short protein forms S294L, S303L, S275L, S83L.
Identifiers: ClinVar variation 2088544 (VCV002088544.4), dbSNP rs770183666, ClinGen allele CA6905209.

ClinVar aggregate classification (germline): Uncertain significance (1 of 4 stars; one submission).

Allele frequency attached by ClinVar (database versions not stated): gnomAD exomes below 0.00001; ExAC 0.00001.
gnomAD v4.1: 4 of 1,613,042 alleles (0.00025%); highest among the groups gnomAD compares: East Asian, 0.0089%; no homozygotes.

Submission:

Labcorp Genetics (formerly Invitae), Labcorp
Classification: Uncertain significance. Last evaluated: 2022-09-15. Review status: criteria provided, single submitter. Criteria: Invitae Variant Classification Sherloc (09022015). Collection method: clinical testing. Allele origin: germline.
Comment: In summary, the available evidence is currently insufficient to determine the role of this variant in disease. Therefore, it has been classified as a Variant of Uncertain Significance. Algorithms developed to predict the effect of missense changes on protein structure and function are either unavailable or do not agree on the potential impact of this missense change (SIFT: "Not Available"; PolyPhen-2: "Benign"; Align-GVGD: "Not Available"). This variant has not been reported in the literature in individuals affected with IFT88-related conditions. This variant is present in population databases (rs770183666, gnomAD 0.006%). This sequence change replaces serine, which is neutral and polar, with leucine, which is neutral and non-polar, at codon 303 of the IFT88 protein (p.Ser303Leu).